The following is an entry in ClinVar:

ClinVar aggregate classification (germline): Uncertain significance. Review status: criteria provided, multiple submitters, no conflicts (2 of 4 stars). 2 submissions from 2 submitters: Uncertain significance (2). Last evaluated 2024-09-16.

Conditions:
Hereditary cancer-predisposing syndrome. Also called: Neoplastic Syndromes, Hereditary; Tumor predisposition; Hereditary Cancer Syndrome; Hereditary neoplastic syndrome. Identifiers: Orphanet 140162, MedGen C0027672, MeSH D009386, MONDO:0015356.
Gorlin syndrome. Also called: Nevoid Basal Cell Carcinoma Syndrome; Basal cell nevus syndrome. Identifiers: Orphanet 377, MedGen C0004779, MONDO:0007187.

Allele frequency attached by ClinVar (database versions not stated): gnomAD exomes below 0.00001; TOPMed below 0.00001; gnomAD 0.00001.
gnomAD v4.1: 2 of 1,564,346 alleles (0.00013%); highest among the groups gnomAD compares: Non-Finnish European, 0.00017%; no homozygotes.

Submissions (2):

Labcorp Genetics (formerly Invitae), Labcorp
Classification: Uncertain significance for Gorlin syndrome. Last evaluated: 2024-09-16. Review status: criteria provided, single submitter. Criteria: Invitae Variant Classification Sherloc (09022015). Collection method: clinical testing. Allele origin: germline.
Comment: This sequence change replaces proline, which is neutral and non-polar, with threonine, which is neutral and polar, at codon 1202 of the PTCH1 protein (p.Pro1202Thr). This variant is not present in population databases (gnomAD no frequency). This variant has not been reported in the literature in individuals affected with PTCH1-related conditions. ClinVar contains an entry for this variant (Variation ID: 1733138). Invitae Evidence Modeling of protein sequence and biophysical properties (such as structural, functional, and spatial information, amino acid conservation, physicochemical variation, residue mobility, and thermodynamic stability) indicates that this missense variant is not expected to disrupt PTCH1 protein function with a negative predictive value of 95%. In summary, the available evidence is currently insufficient to determine the role of this variant in disease. Therefore, it has been classified as a Variant of Uncertain Significance.

Ambry Genetics
Classification: Uncertain significance for Hereditary cancer-predisposing syndrome. Last evaluated: 2020-11-17. Review status: criteria provided, single submitter. Criteria: Ambry Variant Classification Scheme 2023. Collection method: clinical testing. Allele origin: germline.
Comment: The p.P1202T variant (also known as c.3604C>A), located in coding exon 22 of the PTCH1 gene, results from a C to A substitution at nucleotide position 3604. The proline at codon 1202 is replaced by threonine, an amino acid with highly similar properties. This amino acid position is well conserved in available vertebrate species. In addition, the in silico prediction for this alteration is inconclusive. Since supporting evidence is limited at this time, the clinical significance of this alteration remains unclear.

NM_000264.5(PTCH1):c.3604C>A (p.Pro1202Thr)

Gene: PTCH1 (patched 1; minus strand). Cytogenetic location: 9q22.32.
Variant type: single nucleotide variant.
Coding change: c.3604C>A on transcript NM_000264.5 (MANE Select); coding-DNA position 3604, C replaced by A.
Protein change: p.Pro1202Thr; replaces proline 1202 with threonine.
Molecular consequence: missense variant. On other transcripts: non-coding transcript variant (1).
Genome position (GRCh38, 1-based): chr9:95,449,269, G>T on the plus strand (C>A on the coding strand, the complement: PTCH1 is on the minus strand). VCF-style: chr9-95449269-G-T. GRCh37 (hg19) VCF-style: chr9-98211551-G-T.
Other names: c.3406C>A, p.Pro1136Thr (NM_001083602.3); c.3601C>A, p.Pro1201Thr (NM_001083603.3); c.3151C>A, p.Pro1051Thr (NM_001083604.3, NM_001083605.3, NM_001083606.3 and 1 more transcripts); c.3448C>A, p.Pro1150Thr (NM_001354918.2); short protein forms P1150T, P1202T, P1136T, P1051T, P1201T.
Identifiers: ClinVar variation 1733138 (VCV001733138.4), dbSNP rs1384935549, ClinGen allele CA374111312.